The following is an entry in ClinVar:

NM_001352027.3(PHF21A):c.1928C>T (p.Ala643Val)

Gene: PHF21A (PHD finger protein 21A; minus strand). Cytogenetic location: 11p11.2.
Variant type: single nucleotide variant.
Coding change: c.1928C>T on transcript NM_001352027.3 (MANE Select); coding-DNA position 1928, C replaced by T.
Protein change: p.Ala643Val; replaces alanine 643 with valine.
Molecular consequence: missense variant. On other transcripts: non-coding transcript variant (2).
Genome position (GRCh38, 1-based): chr11:45,934,086, G>A on the plus strand (C>T on the coding strand, the complement: PHF21A is on the minus strand). VCF-style: chr11-45934086-G-A. GRCh37 (hg19) VCF-style: chr11-45955637-G-A.
Other names: p.Ala643Val; c.1925C>T, p.Ala642Val (NM_001101802.3); c.1928C>T, p.Ala643Val (NM_001352025.3, NM_001352026.3); c.1787C>T, p.Ala596Val (NM_001352028.1, NM_001352029.1, NM_016621.5); c.1784C>T, p.Ala595Val (NM_001352030.3, NM_001352031.3, NM_001352032.3); short protein forms A595V, A596V, A642V, A643V.
Identifiers: ClinVar variation 3765889 (VCV003765889.2).
Genomic context (GRCh38, chr11:45,934,086, plus strand): 5'-GGGGCCGGCGTGGAGGTGGCGGCATTGGCAGGGGGGGTGCAGTCCGGGCCATTGGAGATG[G>A]CCCCCACAGTGGCCTCAGAGTCTACAGGTTTGGAGAGGTCGATGCCGTGGATGAGGCGAA-3'
Protein context (NP_001338956.1, residues 633-653): KPVDSEATVG[Ala643Val]ISNGPDCTPP

ClinVar aggregate classification (germline): Uncertain significance (1 of 4 stars; one submission).

Conditions:
Intellectual developmental disorder with behavioral abnormalities and craniofacial dysmorphism with or without seizures. Identifiers: MedGen C5231476, MONDO:0032883, OMIM 618725.

gnomAD v4.1: 9 of 1,614,084 alleles (0.00056%); highest among the groups gnomAD compares: South Asian, 0.0088%; no homozygotes.

Submission:

Foundation for Research in Genetics and Endocrinology, FRIGE's Institute of Human Genetics
Classification: Uncertain significance for Intellectual developmental disorder with behavioral abnormalities and craniofacial dysmorphism with or without seizures. Last evaluated: 2025-01-29. Review status: criteria provided, single submitter. Criteria: ACMG Guidelines, 2015. Collection method: clinical testing. Allele origin: germline. Inheritance: Autosomal dominant inheritance. Affected: yes. Observed: 1 heterozygote.
Comment: A heterozygous missense variant in exon 19 of the PHF21A gene that results in the amino acid substitution of Valine for Alanine at codon 643 was detected. The observed variant 1928C>T (p.Ala643Val) has not been reported in the 1000 genomes and has a MAF of 0.0006% in the gnomAD databases. The in-silico prediction of the variant is deleterious by MutationTaster2 and DANN. In summary, the variant meets our criteria to be classified as a variant of uncertain significance.